The following is an entry in ClinVar:

NM_003031.4(SIAH1):c.-2-3004dup

Gene: SIAH1 (siah E3 ubiquitin protein ligase 1; minus strand). Cytogenetic location: 16q12.1.
Variant type: Duplication.
Coding change: c.-2-3004dup on transcript NM_003031.4 (MANE Select); 3004 bases into the intron before 2 bases upstream of the start codon, one base duplicated (G; older notation c.-2-3004dupG).
Molecular consequence: intron variant. On other transcripts: frameshift variant (1).
Genome position (GRCh38, 1-based): chr16:48,365,434, C duplicated on the plus strand (G on the coding strand, the reverse complement: SIAH1 is on the minus strand); the first of 4 consecutive C bases (chr16:48,365,434-48,365,437); duplicating any one gives the same sequence. VCF-style (leftmost placement, unchanged base first): chr16-48365433-T-TC. GRCh37 (hg19) VCF-style: chr16-48399344-T-TC.
Other names: c.44dup, p.Val16fs (NM_001006610.2); short protein forms V16fs.
Identifiers: ClinVar variation 2211409 (VCV002211409.2), dbSNP rs748026553, ClinGen allele CA8045161.

ClinVar aggregate classification (germline): Uncertain significance (1 of 4 stars; one submission).

Conditions:
Inborn genetic diseases. Identifiers: MedGen C0950123, MeSH D030342.

Submission:

Ambry Genetics
Classification: Uncertain significance for Inborn genetic diseases. Last evaluated: 2022-07-05. Review status: criteria provided, single submitter. Criteria: Ambry Variant Classification Scheme 2023. Collection method: clinical testing. Allele origin: germline.
Comment: Loss of function has not been established as a mechanism of disease Based on insufficient or conflicting evidence, the clinical significance of this alteration remains unclear.